The following is an entry in ClinVar:

ClinVar aggregate classification (germline): Likely pathogenic (1 of 4 stars; one submission).

Submission:

GeneDx
Classification: Likely pathogenic. Last evaluated: 2024-08-10. Review status: criteria provided, single submitter. Criteria: GeneDx Variant Classification Process June 2021. Collection method: clinical testing. Allele origin: germline. Affected: yes.
Comment: Reported previously in an individual with a diagnosis of porphyria variegata (PMID: 11173967); Frameshift variant predicted to result in protein truncation, as the last 34 amino acids are replaced with 16 different amino acids, and other loss-of-function variants have been reported downstream in HGMD; Not observed at significant frequency in large population cohorts (gnomAD); This variant is associated with the following publications: (PMID: 11173967)

NM_001122764.3(PPOX):c.1331del (p.Leu444fs)

Gene: PPOX (protoporphyrinogen oxidase; plus strand). Cytogenetic location: 1q23.3.
Variant type: Deletion.
Coding change: c.1331del on transcript NM_001122764.3 (MANE Select); coding-DNA position 1331, one base deleted (T; older notation c.1331delT).
Protein change: p.Leu444fs; shifts the reading frame from leucine 444.
Molecular consequence: frameshift variant.
Genome position (GRCh38, 1-based): chr1:161,171,073, T deleted. VCF-style (leftmost placement, unchanged base first): chr1-161171072-CT-C. GRCh37 (hg19) VCF-style: chr1-161140862-CT-C.
Other names: c.1331del, p.Leu444fs (NM_000309.5, NM_001365398.1); c.1232del, p.Leu411fs (NM_001350128.2); c.923del, p.Leu308fs (NM_001350129.2, NM_001365400.1); c.845del, p.Leu282fs (NM_001350130.2, NM_001350131.2, NM_001365401.1); c.1220del, p.Leu407fs (NM_001365399.1); short protein forms L282fs, L308fs, L407fs, L411fs, L444fs.
Identifiers: ClinVar variation 3602912 (VCV003602912.1).
Genomic context (GRCh38, chr1:161,171,072, plus strand): 5'-TCCTTTCATCCTTTCCTTCCAGAGTCAGCTAGGCAATTCCTGACTGCTCACAGGTTGCCC[CT>C]GACTCTGGCTGGAGCCTCCTATGAGGGAGTTGCTGTTAATGACTGTATAGAGAGTGGGCG-3'